The following is an entry in ClinVar:

NM_000492.4(CFTR):c.1472G>C (p.Cys491Ser)

Genes: CFTR (CF transmembrane conductance regulator; plus strand), CFTR-AS1 (CFTR antisense RNA 1; minus strand). Cytogenetic location: 7q31.2.
Variant type: single nucleotide variant.
Coding change: c.1472G>C on transcript NM_000492.4 (MANE Select); coding-DNA position 1472, G replaced by C.
Protein change: p.Cys491Ser; replaces cysteine 491 with serine.
Molecular consequence: missense variant.
Genome position (GRCh38, 1-based): chr7:117,559,543, G>C. VCF-style: chr7-117559543-G-C. GRCh37 (hg19) VCF-style: chr7-117199597-G-C.
Other names: short protein forms C491S.
Identifiers: ClinVar variation 2503928 (VCV002503928.5), dbSNP rs778205742, ClinGen allele CA368984527.

ClinVar aggregate classification (germline): Uncertain significance. Review status: criteria provided, multiple submitters, no conflicts (2 of 4 stars). 3 submissions from 3 submitters: Uncertain significance (3). Last evaluated 2025-12-05.

Conditions:
Cystic fibrosis (CF). Also called: MUCOVISCIDOSIS. Identifiers: Orphanet 586, MedGen C0010674, MONDO:0009061, OMIM 219700. Disease mechanism: loss of function.

gnomAD v4.1: 8 of 1,611,894 alleles (0.0005%); highest among the groups gnomAD compares: Non-Finnish European, 0.00068%; no homozygotes.

Submissions (3):

Women's Health and Genetics/Laboratory Corporation of America, LabCorp
Classification: Uncertain significance. Last evaluated: 2025-12-05. Review status: criteria provided, single submitter. Criteria: LabCorp Variant Classification Summary - May 2015. Collection method: clinical testing. Allele origin: germline.
Comment: Variant summary: CFTR c.1472G>C (p.Cys491Ser) results in a non-conservative amino acid change in the encoded protein sequence. Algorithms developed to predict the effect of missense changes on protein structure and function are either unavailable or do not agree on the potential impact of this missense change. The variant was absent in 251320 control chromosomes. c.1472G>C has been observed in both an asymptomatic individual (e.g., McGinnis_2005) and at least one subject diagnosed with congenital bilateral absence of the vas deferens (CBAVD) (e.g., Poulou_2012, Feng_2022), however no second CFTR variant was identified in trans in either case. These reports do not provide unequivocal conclusions about association of the variant with Cystic Fibrosis or other CFTR-related conditions. At least one publication reports experimental evidence evaluating an impact on protein function, finding that CFTR channels with the variant open almost exclusively to a 3-pS subconductance and display open dwell times approximately half those of the wild type; however, channel activity was not measured (e.g., Harrington_2002). The following publications have been ascertained in the context of this evaluation (PMID: 35913788, 11867445, 16189704, 22326559). ClinVar contains an entry for this variant (Variation ID: 2503928). Based on the evidence outlined above, the variant was classified as VUS-possibly pathogenic.

Ambry Genetics
Classification: Uncertain significance for Cystic fibrosis. Last evaluated: 2025-06-24. Review status: criteria provided, single submitter. Criteria: Ambry Variant Classification Scheme 2023. Collection method: clinical testing. Allele origin: germline.
Comment: The p.C491S variant (also known as c.1472G>C), located in coding exon 11 of the CFTR gene, results from a G to C substitution at nucleotide position 1472. The cysteine at codon 491 is replaced by serine, an amino acid with dissimilar properties. This amino acid position is not well conserved in available vertebrate species. In addition, the in silico prediction for this alteration is inconclusive. Based on the available evidence, the clinical significance of this variant remains unclear.

Quest Diagnostics Nichols Institute San Juan Capistrano
Classification: Uncertain significance. Last evaluated: 2023-02-02. Review status: criteria provided, single submitter. Criteria: Quest Diagnostics criteria. Collection method: clinical testing. Allele origin: unknown.
Comment: It has not been reported in large, multi-ethnic general populations. In the published literature, the variant has been reported in a child with congenital bilateral absence of the vas deferens (CBAVD) (PMID: 22326559 (2012)). Analysis of this variant using bioinformatics tools for the prediction of the effect of amino acid changes on protein structure and function yielded predictions that this variant is benign. Based on the available information, we are unable to determine the clinical significance of this variant.

Literature cited by the submitters: PubMed 16189704 (cited by Women's Health and Genetics/Laboratory Corporation of America, LabCorp); PubMed 22326559 (cited by Women's Health and Genetics/Laboratory Corporation of America, LabCorp and Quest Diagnostics Nichols Institute San Juan Capistrano); PubMed 35913788 (cited by Women's Health and Genetics/Laboratory Corporation of America, LabCorp); PubMed 11867445 (cited by Women's Health and Genetics/Laboratory Corporation of America, LabCorp).